The following is an entry in ClinVar:

NM_004369.4(COL6A3):c.9524T>C (p.Met3175Thr)

Genes: COL6A3 (collagen type VI alpha 3 chain; minus strand), LOC126806573 (CDK7 strongly-dependent group 2 enhancer GRCh37_chr2:238233151-238234350; plus strand). Cytogenetic location: 2q37.3.
Variant type: single nucleotide variant.
Coding change: c.9524T>C on transcript NM_004369.4 (MANE Select); coding-DNA position 9524, T replaced by C.
Protein change: p.Met3175Thr; replaces methionine 3175 with threonine.
Molecular consequence: missense variant.
Genome position (GRCh38, 1-based): chr2:237,324,784, A>G on the plus strand (T>C on the coding strand, the complement: COL6A3 is on the minus strand). VCF-style: chr2-237324784-A-G. GRCh37 (hg19) VCF-style: chr2-238233427-A-G.
Other names: c.7703T>C, p.Met2568Thr (NM_057166.5); c.8906T>C, p.Met2969Thr (NM_057167.4); short protein forms M3175T, M2568T, M2969T.
Identifiers: ClinVar variation 282891 (VCV000282891.48), dbSNP rs148183839, ClinGen allele CA2187232.

ClinVar aggregate classification (germline): Conflicting classifications of pathogenicity. Review status: criteria provided, conflicting classifications (1 of 4 stars). 8 submissions from 8 submitters: Uncertain significance (1); Benign (2); Likely benign (4). 1 of the submissions does not count toward it. Last evaluated 2026-02-01.

Conditions:
COL6A3-related disorder. Also called: COL6A3-related disorders; COL6A3-related condition.
Collagen 6-related myopathy. Identifiers: MedGen CN117976, MONDO:0100225.
Bethlem myopathy 1A. Also called: Bethlem myopathy 1; MYOPATHY, BENIGN CONGENITAL, WITH CONTRACTURES; Bethlem Muscular Dystrophy. Identifiers: Orphanet 610, MedGen CN029274, MONDO:0024530, OMIM 158810.

Allele frequency attached by ClinVar (database versions not stated): ESP Exome Variant Server 0.00023; TOPMed 0.00030; 1000 Genomes Project 30x 0.00031; 1000 Genomes Project 0.00040; ExAC 0.00084; gnomAD exomes 0.00084 and 0.00114; gnomAD 0.00103 and 0.00112.
gnomAD v4.1: 1,356 of 1,613,868 alleles (0.084%); highest among the groups gnomAD compares: Non-Finnish European, 0.061%; 2 homozygotes.

Submissions (8):

CeGaT Center for Human Genetics Tuebingen
Classification: Likely benign. Last evaluated: 2026-02-01. Review status: criteria provided, single submitter. Criteria: CeGaT Center For Human Genetics Tuebingen Variant Classification Criteria Version 2. Collection method: clinical testing. Allele origin: germline. Affected: yes. Observed: 4 variant alleles.
Comment: COL6A3: BS1

Labcorp Genetics (formerly Invitae), Labcorp
Classification: Benign for Bethlem myopathy 1A. Last evaluated: 2025-12-23. Review status: criteria provided, single submitter. Criteria: Invitae Variant Classification Sherloc (09022015). Collection method: clinical testing. Allele origin: germline.

GeneDx
Classification: Likely benign. Last evaluated: 2019-04-12. Review status: criteria provided, single submitter. Criteria: GeneDx Variant Classification Process June 2021. Collection method: clinical testing. Allele origin: germline. Affected: yes.

Illumina Laboratory Services, Illumina
Classification: Benign for Collagen VI-related myopathy. Last evaluated: 2018-01-13. Review status: criteria provided, single submitter. Criteria: ICSL Variant Classification Criteria 13 December 2019. Collection method: clinical testing. Allele origin: germline.
Comment: This variant was observed in the ICSL laboratory as part of a predisposition screen in an ostensibly healthy population. It had not been previously curated by ICSL or reported in the Human Gene Mutation Database (HGMD: prior to June 1st, 2018), and was therefore a candidate for classification through an automated scoring system. Utilizing variant allele frequency, disease prevalence and penetrance estimates, and inheritance mode, an automated score was calculated to assess if this variant is too frequent to cause the disease. Based on the score and internal cut-off values, a variant classified as benign is not then subjected to further curation. The score for this variant resulted in a classification of benign for this disease.

Institute for Genomic Medicine (IGM) Clinical Laboratory, Nationwide Children's Hospital
Classification: Likely benign. Last evaluated: 2017-10-05. Review status: criteria provided, single submitter. Criteria: ACMG Guidelines, 2015. Collection method: clinical testing. Allele origin: germline.
Comment: BS1,BP6; This alteration has an allele frequency that is greater than expected for the associated disease, and was reported as a benign/likely benign alteration by a reputable source (ClinVar or other correspondence from a clinical testing laboratory).

Center for Pediatric Genomic Medicine, Children's Mercy Hospital and Clinics
Classification: Uncertain significance. Last evaluated: 2016-11-08. Review status: criteria provided, single submitter. Criteria: ACMG Guidelines, 2015. Collection method: clinical testing. Allele origin: germline.
ClinVar note: Converted during submission from Uncertain Significance to Uncertain significance.

Eurofins Ntd Llc (ga)
Classification: Likely benign. Last evaluated: 2015-09-01. Review status: criteria provided, single submitter. Criteria: EGL Classification Definitions 2015. Collection method: clinical testing. Allele origin: germline. Observed: 1 variant allele, 1 heterozygote.

PreventionGenetics, part of Exact Sciences
Classification: Benign for COL6A3-related condition. Last evaluated: 2023-11-22. Review status: no assertion criteria provided. Collection method: clinical testing. Allele origin: germline. Not counted in ClinVar's aggregate classification.
Comment: This variant is classified as benign based on ACMG/AMP sequence variant interpretation guidelines (Richards et al. 2015 PMID: 25741868, with internal and published modifications).